The following is an entry in ClinVar:

ClinVar aggregate classification (germline): Uncertain significance (1 of 4 stars; one submission).

Conditions:
Rafiq syndrome (RAFQS). Identifiers: Orphanet 88616, MedGen C3280127, MONDO:0013624, OMIM 614202.

gnomAD v4.1: 2 of 1,579,128 alleles (0.00013%); highest among the groups gnomAD compares: Non-Finnish European, 0.000086%; no homozygotes.

Submission:

Labcorp Genetics (formerly Invitae), Labcorp
Classification: Uncertain significance for Rafiq syndrome. Last evaluated: 2026-01-05. Review status: criteria provided, single submitter. Criteria: Invitae Variant Classification Sherloc (09022015). Collection method: clinical testing. Allele origin: germline.
Comment: This sequence change replaces alanine, which is neutral and non-polar, with valine, which is neutral and non-polar, at codon 462 of the MAN1B1 protein (p.Ala462Val). The frequency data for this variant in the population databases is considered unreliable, as metrics indicate poor data quality at this position in the gnomAD database. This variant has not been reported in the literature in individuals affected with MAN1B1-related conditions. An algorithm developed to predict the effect of missense changes on protein structure and function (PolyPhen-2) suggests that this variant is likely to be disruptive. In summary, the available evidence is currently insufficient to determine the role of this variant in disease. Therefore, it has been classified as a Variant of Uncertain Significance.

NM_016219.5(MAN1B1):c.1385C>T (p.Ala462Val)

Gene: MAN1B1 (mannosidase alpha class 1B member 1; plus strand). Cytogenetic location: 9q34.3.
Variant type: single nucleotide variant.
Coding change: c.1385C>T on transcript NM_016219.5 (MANE Select); coding-DNA position 1385, C replaced by T.
Protein change: p.Ala462Val; replaces alanine 462 with valine.
Molecular consequence: missense variant. On other transcripts: non-coding transcript variant (2).
Genome position (GRCh38, 1-based): chr9:137,106,255, C>T. VCF-style: chr9-137106255-C-T. GRCh37 (hg19) VCF-style: chr9-140000707-C-T.
Other names: short protein forms A462V.
Identifiers: ClinVar variation 4737994 (VCV004737994.1).